The following is an entry in ClinVar:

NM_015311.3(OBSL1):c.578C>T (p.Ala193Val)

Gene: OBSL1 (obscurin like cytoskeletal adaptor 1; minus strand). Cytogenetic location: 2q35.
Variant type: single nucleotide variant.
Coding change: c.578C>T on transcript NM_015311.3 (MANE Select); coding-DNA position 578, C replaced by T.
Protein change: p.Ala193Val; replaces alanine 193 with valine.
Molecular consequence: missense variant.
Genome position (GRCh38, 1-based): chr2:219,570,655, G>A on the plus strand (C>T on the coding strand, the complement: OBSL1 is on the minus strand). VCF-style: chr2-219570655-G-A. GRCh37 (hg19) VCF-style: chr2-220435377-G-A.
Other names: c.578C>T, p.Ala193Val (NM_001173408.2, NM_001173431.2); short protein forms A193V.
Identifiers: ClinVar variation 1430452 (VCV001430452.6), dbSNP rs1267702779, ClinGen allele CA350764733.

ClinVar aggregate classification (germline): Uncertain significance (1 of 4 stars; one submission).

Allele frequency attached by ClinVar (database versions not stated): TOPMed 0.00001.
gnomAD v4.1: 9 of 1,507,690 alleles (0.0006%); highest among the groups gnomAD compares: African/African-American, 0.0029%; no homozygotes.

Submission:

Labcorp Genetics (formerly Invitae), Labcorp
Classification: Uncertain significance. Last evaluated: 2025-10-22. Review status: criteria provided, single submitter. Criteria: Invitae Variant Classification Sherloc (09022015). Collection method: clinical testing. Allele origin: germline.
Comment: This sequence change replaces alanine, which is neutral and non-polar, with valine, which is neutral and non-polar, at codon 193 of the OBSL1 protein (p.Ala193Val). The frequency data for this variant in the population databases is considered unreliable, as metrics indicate poor data quality at this position in the gnomAD database. This variant has not been reported in the literature in individuals affected with OBSL1-related conditions. ClinVar contains an entry for this variant (Variation ID: 1430452). An algorithm developed to predict the effect of missense changes on protein structure and function (PolyPhen-2) suggests that this variant is likely to be tolerated. In summary, the available evidence is currently insufficient to determine the role of this variant in disease. Therefore, it has been classified as a Variant of Uncertain Significance.